The following is an entry in ClinVar:

NM_003738.5(PTCH2):c.1568dup (p.Leu524fs)

Gene: PTCH2 (patched 2; minus strand). Cytogenetic location: 1p34.1.
Variant type: Duplication.
Coding change: c.1568dup on transcript NM_003738.5 (MANE Select); coding-DNA position 1568, one base duplicated (C; older notation c.1568dupC).
Protein change: p.Leu524fs; shifts the reading frame from leucine 524.
Molecular consequence: frameshift variant.
Genome position (GRCh38, 1-based): chr1:44,828,528, G duplicated on the plus strand (C on the coding strand, the reverse complement: PTCH2 is on the minus strand). VCF-style (leftmost placement, unchanged base first): chr1-44828527-C-CG. GRCh37 (hg19) VCF-style: chr1-45294199-C-CG.
Other names: c.1568dup, p.Leu524fs (NM_001166292.2); short protein forms L524fs.
Identifiers: ClinVar variation 2185721 (VCV002185721.4), dbSNP rs750241127, ClinGen allele CA823270.
Genomic context (GRCh38, chr1:44,828,527, plus strand): 5'-CCACACCCACCCTGAGCTGCCCCGTGTGAGAGGCCTCACCTGTAGGGAGAAGGCTCGCAG[C>CG]GCAGGGATGGGAACGAGGGCAGCCATGAGGAAGGCGGCCATGTTGTTGATGGATGTGAGT-3'

ClinVar aggregate classification (germline): Uncertain significance (1 of 4 stars; one submission).

Conditions:
Gorlin syndrome. Also called: Nevoid Basal Cell Carcinoma Syndrome; Basal cell nevus syndrome. Identifiers: Orphanet 377, MedGen C0004779, MONDO:0007187.

Allele frequency attached by ClinVar (database versions not stated): gnomAD exomes below 0.00001; ExAC 0.00001.

Submission:

Labcorp Genetics (formerly Invitae), Labcorp
Classification: Uncertain significance for Gorlin syndrome. Last evaluated: 2022-08-20. Review status: criteria provided, single submitter. Criteria: Invitae Variant Classification Sherloc (09022015). Collection method: clinical testing. Allele origin: germline.
Comment: This variant is present in population databases (rs750241127, gnomAD 0.0009%). This variant has not been reported in the literature in individuals affected with PTCH2-related conditions. Experimental studies and prediction algorithms are not available or were not evaluated, and the functional significance of this variant is currently unknown. In summary, the available evidence is currently insufficient to determine the role of this variant in disease. Therefore, it has been classified as a Variant of Uncertain Significance. This sequence change creates a premature translational stop signal (p.Leu524Alafs*40) in the PTCH2 gene. It is expected to result in an absent or disrupted protein product. However, the current clinical and genetic evidence is not sufficient to establish whether loss-of-function variants in PTCH2 cause disease.